The following is an entry in ClinVar:

NM_003923.3(FOXH1):c.901C>T (p.Pro301Ser)

Gene: FOXH1 (forkhead box H1; minus strand). Cytogenetic location: 8q24.3.
Variant type: single nucleotide variant.
Coding change: c.901C>T on transcript NM_003923.3 (MANE Select); coding-DNA position 901, C replaced by T.
Protein change: p.Pro301Ser; replaces proline 301 with serine.
Molecular consequence: missense variant.
Genome position (GRCh38, 1-based): chr8:144,474,435, G>A on the plus strand (C>T on the coding strand, the complement: FOXH1 is on the minus strand). VCF-style: chr8-144474435-G-A. GRCh37 (hg19) VCF-style: chr8-145699818-G-A.
Other names: short protein forms P301S.
Identifiers: ClinVar variation 2634544 (VCV002634544.2), dbSNP rs201165974, ClinGen allele CA372723330.

ClinVar aggregate classification (germline): Uncertain significance. Review status: criteria provided, multiple submitters, no conflicts (2 of 4 stars). 2 submissions from 2 submitters: Uncertain significance (2). Last evaluated 2024-12-21.

Conditions:
Inborn genetic diseases. Identifiers: MedGen C0950123, MeSH D030342.
FOXH1-related disorder. Also called: FOXH1-related condition.

gnomAD v4.1: 23 of 1,613,068 alleles (0.0014%); highest among the groups gnomAD compares: Admixed American, 0.01%; no homozygotes.

Submissions (2):

Ambry Genetics
Classification: Uncertain significance for Inborn genetic diseases. Last evaluated: 2024-12-21. Review status: criteria provided, single submitter. Criteria: Ambry Variant Classification Scheme 2023. Collection method: clinical testing. Allele origin: germline.

PreventionGenetics, part of Exact Sciences
Classification: Uncertain significance for FOXH1-related condition. Last evaluated: 2022-11-08. Review status: criteria provided, single submitter. Criteria: ACMG Guidelines, 2015. Collection method: clinical testing. Allele origin: germline.
Comment: The FOXH1 c.901C>T variant is predicted to result in the amino acid substitution p.Pro301Ser. To our knowledge, this variant has not been reported in the literature. This variant is reported in 0.012% of alleles in individuals of Latino descent in gnomAD. At this time, the clinical significance of this variant is uncertain due to the absence of conclusive functional and genetic evidence.